The following is an entry in ClinVar:

ClinVar aggregate classification (germline): Uncertain significance. Review status: criteria provided, multiple submitters, no conflicts (2 of 4 stars). 3 submissions from 3 submitters: Uncertain significance (2). 1 of the submissions does not count toward it. Last evaluated 2024-04-05.

Conditions:
Hereditary cancer-predisposing syndrome. Also called: Tumor predisposition; Hereditary neoplastic syndrome; Neoplastic Syndromes, Hereditary; Hereditary Cancer Syndrome. Identifiers: Orphanet 140162, MedGen C0027672, MeSH D009386, MONDO:0015356.
Bloom syndrome (BLM). Also called: Bloom-Torre-Machacek syndrome. Identifiers: Orphanet 125, MedGen C0005859, MONDO:0008876, OMIM 210900.

Allele frequency attached by ClinVar (database versions not stated): gnomAD exomes below 0.00001.
gnomAD v4.1: 1 of 1,612,146 alleles (0.000062%); highest among the groups gnomAD compares: East Asian, 0.0022%; no homozygotes.

Submissions (3):

Ambry Genetics
Classification: Uncertain significance for Hereditary cancer-predisposing syndrome. Last evaluated: 2024-04-05. Review status: criteria provided, single submitter. Criteria: Ambry Variant Classification Scheme 2023. Collection method: clinical testing. Allele origin: germline.
Comment: The p.P172A variant (also known as c.514C>G), located in coding exon 2 of the BLM gene, results from a C to G substitution at nucleotide position 514. The proline at codon 172 is replaced by alanine, an amino acid with highly similar properties. This amino acid position is conserved. In addition, this alteration is predicted to be tolerated by in silico analysis. Based on the available evidence, the clinical significance of this variant remains unclear.

Labcorp Genetics (formerly Invitae), Labcorp
Classification: Uncertain significance for Bloom syndrome. Last evaluated: 2022-07-19. Review status: criteria provided, single submitter. Criteria: Invitae Variant Classification Sherloc (09022015). Collection method: clinical testing. Allele origin: germline.
Comment: This sequence change replaces proline, which is neutral and non-polar, with alanine, which is neutral and non-polar, at codon 172 of the BLM protein (p.Pro172Ala). This variant is present in population databases (no rsID available, gnomAD 0.006%). This variant has not been reported in the literature in individuals affected with BLM-related conditions. ClinVar contains an entry for this variant (Variation ID: 862489). Algorithms developed to predict the effect of missense changes on protein structure and function (SIFT, PolyPhen-2, Align-GVGD) all suggest that this variant is likely to be tolerated. Algorithms developed to predict the effect of sequence changes on RNA splicing suggest that this variant may create or strengthen a splice site. In summary, the available evidence is currently insufficient to determine the role of this variant in disease. Therefore, it has been classified as a Variant of Uncertain Significance.

Natera, Inc.
Classification: Uncertain significance for Bloom syndrome. Last evaluated: 2021-02-12. Review status: no assertion criteria provided. Collection method: clinical testing. Allele origin: germline. Not counted in ClinVar's aggregate classification.

NM_000057.4(BLM):c.514C>G (p.Pro172Ala)

Gene: BLM (BLM RecQ like helicase; plus strand). Cytogenetic location: 15q26.1.
Variant type: single nucleotide variant.
Coding change: c.514C>G on transcript NM_000057.4 (MANE Select); coding-DNA position 514, C replaced by G.
Protein change: p.Pro172Ala; replaces proline 172 with alanine.
Molecular consequence: missense variant. On other transcripts: 5 prime UTR variant (1).
Genome position (GRCh38, 1-based): chr15:90,749,782, C>G. VCF-style: chr15-90749782-C-G. GRCh37 (hg19) VCF-style: chr15-91293012-C-G.
Other names: c.514C>G, p.Pro172Ala (NM_001287246.2, NM_001287247.2); c.-778C>G (NM_001287248.2); c.514C>G (NM_000057.2); short protein forms P172A.
Identifiers: ClinVar variation 862489 (VCV000862489.12), dbSNP rs1163233988, ClinGen allele CA393840952.